The following is an entry in ClinVar:

ClinVar aggregate classification (germline): Pathogenic/Likely pathogenic. Review status: criteria provided, multiple submitters, no conflicts (2 of 4 stars). 2 submissions from 2 submitters: Pathogenic (1); Likely pathogenic (1). Last evaluated 2023-10-24.

Conditions:
Progressive sclerosing poliodystrophy (MTDPS4A). Also called: NEURONAL DEGENERATION OF CHILDHOOD WITH LIVER DISEASE, PROGRESSIVE; ALPERS PROGRESSIVE INFANTILE POLIODYSTROPHY; Alpers-Huttenlocher Syndrome; Alpers Syndrome; ALPERS DIFFUSE DEGENERATION OF CEREBRAL GRAY MATTER WITH HEPATIC CIRRHOSIS; Mitochondrial DNA depletion syndrome 4A (Alpers type). Identifiers: Orphanet 726, MedGen C0205710, MONDO:0008758, OMIM 203700.

Submissions (2):

Baylor Genetics
Classification: Likely pathogenic for Progressive sclerosing poliodystrophy. Last evaluated: 2023-10-24. Review status: criteria provided, single submitter. Criteria: ACMG Guidelines, 2015. Collection method: clinical testing. Allele origin: unknown.

Victorian Clinical Genetics Services, Murdoch Childrens Research Institute
Classification: Pathogenic for Progressive sclerosing poliodystrophy. Last evaluated: 2022-09-02. Review status: criteria provided, single submitter. Criteria: ACMG Guidelines, 2015. Collection method: clinical testing. Allele origin: germline. Inheritance: Autosomal recessive inheritance. Affected: no.
Comment: Based on the classification scheme VCGS_Germline_v1.3.4, this variant is classified as Pathogenic. Following criteria are met: 0102 - Loss of function is a known mechanism of disease in this gene and is associated with POLG-related mitochondrial disorders. (I) 0108 - This gene is associated with both recessive and dominant disease. Variants are usually inherited in a recessive manner, however progressive external ophthalmoplegia can also be dominant when heterozygous variants are located in the highly conserved active site of motif B of the polymerase domain (PMID: 30451971). (I) 0201 - Variant is predicted to cause nonsense-mediated decay (NMD) and loss of protein (premature termination codon is located at least 54 nucleotides upstream of the final exon-exon junction). (SP) 0251 - This variant is heterozygous. (I) 0301 - Variant is absent from gnomAD (both v2 and v3). (SP) 0701 - Other NMD-predicted variants comparable to the one identified in this case have very strong previous evidence for pathogenicity. NMD-predicted variants are very well reported in individuals with mitochondrial DNA depletion syndrome (ClinVar, PMID: 30451971). (SP) 0807 - This variant has no previous evidence of pathogenicity. (I) 0905 - No published segregation evidence has been identified for this variant. (I) 1007 - No published functional evidence has been identified for this variant. (I) Legend: (SP) - Supporting pathogenic, (I) - Information, (SB) - Supporting benign

Literature cited by the submitters: PubMed 30423451 (cited by Victorian Clinical Genetics Services, Murdoch Childrens Research Institute); PubMed 30451971 (cited by Victorian Clinical Genetics Services, Murdoch Childrens Research Institute).

NM_002693.3(POLG):c.3538_3539dup (p.Ala1182fs)

Gene: POLG (DNA polymerase gamma, catalytic subunit; minus strand). Cytogenetic location: 15q26.1.
Variant type: Duplication.
Coding change: c.3538_3539dup on transcript NM_002693.3 (MANE Select); coding-DNA positions 3538 to 3539, 2 bases duplicated (TT; older notation c.3538_3539dupTT).
Protein change: p.Ala1182fs; shifts the reading frame from alanine 1182.
Molecular consequence: frameshift variant.
Genome position (GRCh38, 1-based): chr15:89,317,480-89,317,481, AA duplicated on the plus strand (TT on the coding strand, the reverse complement: POLG is on the minus strand); duplicating any 2 consecutive bases within chr15:89,317,480-89,317,484 gives the same sequence; the c. name uses the placement nearest the transcript's 3' end. VCF-style (leftmost placement, unchanged base first): chr15-89317479-G-GAA. GRCh37 (hg19) VCF-style: chr15-89860710-G-GAA.
Other names: c.3538_3539dupTT (NM_002693.2); c.3538_3539dup, p.Ala1182fs (NM_001126131.2); short protein forms A1182fs.
Identifiers: ClinVar variation 2500695 (VCV002500695.3), dbSNP rs2509185174, ClinGen allele CA1139771268.
Genomic context (GRCh38, chr15:89,317,479, plus strand): 5'-AGGGGTTTTACAATCCATGGTCACTTCCTTCCTGAGGCACCGGTCAATATCGACTGCACT[G>GAA]AAAAAGGCGACTGACTGGGGCAAGTCATTCAGACCCAGCTTGTAGGCAAACATGCACCTG-3'